The following is an entry in ClinVar:

NM_018723.4(RBFOX1):c.413G>C (p.Gly138Ala)

Genes: RBFOX1 (RNA binding fox-1 homolog 1; plus strand), LOC126862278 (CDK7 strongly-dependent group 2 enhancer GRCh37_chr16:7629446-7630645; plus strand). Cytogenetic location: 16p13.3.
Variant type: single nucleotide variant.
Coding change: c.413G>C on transcript NM_018723.4 (MANE Select); coding-DNA position 413, G replaced by C.
Protein change: p.Gly138Ala; replaces glycine 138 with alanine.
Molecular consequence: missense variant.
Genome position (GRCh38, 1-based): chr16:7,579,919, G>C. VCF-style: chr16-7579919-G-C. GRCh37 (hg19) VCF-style: chr16-7629921-G-C.
Other names: c.413G>C, p.Gly138Ala (NM_001142333.2, NM_001142334.2, NM_001364800.2); c.542G>C, p.Gly181Ala (NM_001308117.1); c.473G>C, p.Gly158Ala (NM_145891.3, NM_145892.3, NM_145893.3); short protein forms G138A, G158A, G181A.
Identifiers: ClinVar variation 1008902 (VCV001008902.9), dbSNP rs747242541, ClinGen allele CA7891473.
Genomic context (GRCh38, chr16:7,579,919, plus strand): 5'-GGCTGCATGTCTCCAATATCCCCTTCAGGTTCCGGGATCCGGACCTCAGACAAATGTTTG[G>C]TGTAAGTATCACCTTTCTTCCCAGCAGTGCCCGCTCTGGGGGTTCCAGAGACCTCCCTGT-3'
Protein context (NP_061193.2, residues 128-148): FRDPDLRQMF[Gly138Ala]QFGKILDVEI

ClinVar aggregate classification (germline): Uncertain significance (1 of 4 stars; one submission).

Conditions:
Idiopathic generalized epilepsy. Also called: Generalised epilepsy; EIG. Identifiers: MedGen C0270850, MONDO:0005579, OMIM 600669.

Allele frequency attached by ClinVar (database versions not stated): gnomAD exomes below 0.00001; ExAC 0.00001.
gnomAD v4.1: 2 of 1,614,010 alleles (0.00012%); highest among the groups gnomAD compares: Non-Finnish European, 0.00017%; no homozygotes.

Submission:

Labcorp Genetics (formerly Invitae), Labcorp
Classification: Uncertain significance for Idiopathic generalized epilepsy. Last evaluated: 2022-08-09. Review status: criteria provided, single submitter. Criteria: Invitae Variant Classification Sherloc (09022015). Collection method: clinical testing. Allele origin: germline.
Comment: In summary, the available evidence is currently insufficient to determine the role of this variant in disease. Therefore, it has been classified as a Variant of Uncertain Significance. Algorithms developed to predict the effect of missense changes on protein structure and function are either unavailable or do not agree on the potential impact of this missense change (SIFT: "Tolerated"; PolyPhen-2: "Possibly Damaging"; Align-GVGD: "Class C0"). ClinVar contains an entry for this variant (Variation ID: 1008902). This variant has not been reported in the literature in individuals affected with RBFOX1-related conditions. This variant is present in population databases (rs747242541, gnomAD 0.0009%). This sequence change replaces glycine, which is neutral and non-polar, with alanine, which is neutral and non-polar, at codon 158 of the RBFOX1 protein (p.Gly158Ala).